The following is an entry in ClinVar:

ClinVar aggregate classification (germline): Pathogenic (1 of 4 stars; one submission).

Conditions:
Hereditary factor VIII deficiency disease (HEMA). Also called: AUTOSOMAL HEMOPHILIA A; Hemophilia A; Hemophilia A, congenital; HEM A; Factor 8 deficiency, congenital; HEMOPHILIA, CLASSIC. Identifiers: Orphanet 98878, MedGen C0019069, MONDO:0010602, OMIM 306700.

Submission:

Myriad Genetics, Inc.
Classification: Pathogenic for Hereditary factor VIII deficiency disease. Last evaluated: 2024-07-17. Review status: criteria provided, single submitter. Criteria: Myriad Autosomal Dominant, Autosomal Recessive and X-Linked Classification Criteria (2023). Collection method: clinical testing. Allele origin: unknown.
Comment: NM_000132.3(F8):c.5177G>A(W1726*) is expected to be pathogenic in the context of hemophilia A. This variant is predicted to lead to an abnormal or absent protein product due to the creation of a premature termination codon in F8, a gene where loss-of-function variants are known to be pathogenic. Please note: this variant was assessed in the context of healthy population screening.

NM_000132.4(F8):c.5177G>A (p.Trp1726Ter)

Gene: F8 (coagulation factor VIII; minus strand). Cytogenetic location: Xq28.
Variant type: single nucleotide variant.
Coding change: c.5177G>A on transcript NM_000132.4 (MANE Select); coding-DNA position 5177, G replaced by A.
Protein change: p.Trp1726Ter; replaces tryptophan 1726 with a stop codon.
Molecular consequence: nonsense.
Genome position (GRCh38, 1-based): chrX:154,928,613, C>T on the plus strand (G>A on the coding strand, the complement: F8 is on the minus strand). VCF-style: chrX-154928613-C-T. GRCh37 (hg19) VCF-style: chrX-154156888-C-T.
Other names: short protein forms W1726*.
Identifiers: ClinVar variation 5013327 (VCV005013327.1).